The following is an entry in ClinVar:

ClinVar aggregate classification (germline): Uncertain significance (1 of 4 stars; one submission).

gnomAD v4.1: 2 of 1,614,066 alleles (0.00012%); highest among the groups gnomAD compares: South Asian, 0.0022%; no homozygotes.

Submission:

Labcorp Genetics (formerly Invitae), Labcorp
Classification: Uncertain significance. Last evaluated: 2025-10-07. Review status: criteria provided, single submitter. Criteria: Invitae Variant Classification Sherloc (09022015). Collection method: clinical testing. Allele origin: germline.
Comment: This sequence change replaces leucine, which is neutral and non-polar, with phenylalanine, which is neutral and non-polar, at codon 2829 of the VCAN protein (p.Leu2829Phe). This variant is present in population databases (rs775247871, gnomAD 0.003%). This variant has not been reported in the literature in individuals affected with VCAN-related conditions. An algorithm developed to predict the effect of missense changes on protein structure and function outputs the following: PolyPhen-2: "Benign". The phenylalanine amino acid residue is found in multiple mammalian species, which suggests that this missense change does not adversely affect protein function. In summary, the available evidence is currently insufficient to determine the role of this variant in disease. Therefore, it has been classified as a Variant of Uncertain Significance.

NM_004385.5(VCAN):c.8485C>T (p.Leu2829Phe)

Genes: VCAN (versican; plus strand), VCAN-AS1 (VCAN antisense RNA 1; minus strand). Cytogenetic location: 5q14.3.
Variant type: single nucleotide variant.
Coding change: c.8485C>T on transcript NM_004385.5 (MANE Select); coding-DNA position 8485, C replaced by T.
Protein change: p.Leu2829Phe; replaces leucine 2829 with phenylalanine.
Molecular consequence: missense variant. On other transcripts: intron variant (2).
Genome position (GRCh38, 1-based): chr5:83,541,488, C>T. VCF-style: chr5-83541488-C-T. GRCh37 (hg19) VCF-style: chr5-82837307-C-T.
Other names: c.5524C>T, p.Leu1842Phe (NM_001164097.2); c.4004-4049C>T (NM_001164098.2); c.1043-4049C>T (NM_001126336.3); short protein forms L1842F, L2829F.
Identifiers: ClinVar variation 4762373 (VCV004762373.1).
Genomic context (GRCh38, chr5:83,541,488, plus strand): 5'-GATACAACATTAGCAGTTTCAACATTTGCGAAGTTGTCTTCTCAGACACCATCATCTCCC[C>T]TCACTATCTACTCAGGCAGTGAAGCCTCTGGACACACAGAGATCCCCCAGCCCAGTGCTC-3'
Protein context (NP_004376.2, residues 2819-2839): KLSSQTPSSP[Leu2829Phe]TIYSGSEASG